The following is an entry in ClinVar:

NM_012106.4(ARL2BP):c.121C>A (p.Gln41Lys)

Gene: ARL2BP (ARF like GTPase 2 binding protein; plus strand). Cytogenetic location: 16q13.
Variant type: single nucleotide variant.
Coding change: c.121C>A on transcript NM_012106.4 (MANE Select); coding-DNA position 121, C replaced by A.
Protein change: p.Gln41Lys; replaces glutamine 41 with lysine.
Molecular consequence: missense variant.
Genome position (GRCh38, 1-based): chr16:57,248,557, C>A. VCF-style: chr16-57248557-C-A. GRCh37 (hg19) VCF-style: chr16-57282469-C-A.
Other names: short protein forms Q41K.
Identifiers: ClinVar variation 2115306 (VCV002115306.4), dbSNP rs1257703709, ClinGen allele CA396021663.

ClinVar aggregate classification (germline): Uncertain significance (1 of 4 stars; one submission).

Submission:

Labcorp Genetics (formerly Invitae), Labcorp
Classification: Uncertain significance. Last evaluated: 2024-01-19. Review status: criteria provided, single submitter. Criteria: Invitae Variant Classification Sherloc (09022015). Collection method: clinical testing. Allele origin: germline.
Comment: This sequence change replaces glutamine, which is neutral and polar, with lysine, which is basic and polar, at codon 41 of the ARL2BP protein (p.Gln41Lys). This variant is not present in population databases (gnomAD no frequency). This variant has not been reported in the literature in individuals affected with ARL2BP-related conditions. ClinVar contains an entry for this variant (Variation ID: 2115306). An algorithm developed to predict the effect of missense changes on protein structure and function (PolyPhen-2) suggests that this variant is likely to be disruptive. In summary, the available evidence is currently insufficient to determine the role of this variant in disease. Therefore, it has been classified as a Variant of Uncertain Significance.